The following is an entry in ClinVar:

NM_001003841.3(SLC6A19):c.271G>A (p.Ala91Thr)

Gene: SLC6A19 (solute carrier family 6 member 19; plus strand). Cytogenetic location: 5p15.33.
Variant type: single nucleotide variant.
Coding change: c.271G>A on transcript NM_001003841.3 (MANE Select); coding-DNA position 271, G replaced by A.
Protein change: p.Ala91Thr; replaces alanine 91 with threonine.
Molecular consequence: missense variant.
Genome position (GRCh38, 1-based): chr5:1,208,814, G>A. VCF-style: chr5-1208814-G-A. GRCh37 (hg19) VCF-style: chr5-1208929-G-A.
Other names: short protein forms A91T.
Identifiers: ClinVar variation 1913692 (VCV001913692.3), dbSNP rs376995967, ClinGen allele CA3182633.
Genomic context (GRCh38, chr5:1,208,814, plus strand): 5'-ATGATCCCGTTCCTCATCCTGCTGGTCCTGGAGGGCATCCCCCTGCTGTACCTGGAGTTC[G>A]CCATCGGGCAGCGGCTGCGGCGGGGCAGCCTGGGTGTGTGGAGCTCCATCCACCCGGCCC-3'
Protein context (NP_001003841.1, residues 81-101): EGIPLLYLEF[Ala91Thr]IGQRLRRGSL

ClinVar aggregate classification (germline): Uncertain significance. Review status: criteria provided, multiple submitters, no conflicts (2 of 4 stars). 2 submissions from 2 submitters: Uncertain significance (2). Last evaluated 2024-04-15.

Conditions:
Neutral 1 amino acid transport defect (HND). Also called: HARTNUP DISORDER; Hartnup disease. Identifiers: Orphanet 2116, MedGen C0018609, MONDO:0009324, OMIM 234500.

Allele frequency attached by ClinVar (database versions not stated): ExAC 0.00002; ESP Exome Variant Server 0.00008.
gnomAD v4.1: 30 of 1,613,182 alleles (0.0019%); highest among the groups gnomAD compares: South Asian, 0.0055%; no homozygotes.

Submissions (2):

Fulgent Genetics
Classification: Uncertain significance for Neutral 1 amino acid transport defect. Last evaluated: 2024-04-15. Review status: criteria provided, single submitter. Criteria: ACMG Guidelines, 2015. Collection method: clinical testing. Allele origin: germline.

Labcorp Genetics (formerly Invitae), Labcorp
Classification: Uncertain significance. Last evaluated: 2022-06-13. Review status: criteria provided, single submitter. Criteria: Invitae Variant Classification Sherloc (09022015). Collection method: clinical testing. Allele origin: germline.
Comment: This sequence change replaces alanine, which is neutral and non-polar, with threonine, which is neutral and polar, at codon 91 of the SLC6A19 protein (p.Ala91Thr). This variant is present in population databases (rs376995967, gnomAD 0.01%). This variant has not been reported in the literature in individuals affected with SLC6A19-related conditions. Advanced modeling of protein sequence and biophysical properties (such as structural, functional, and spatial information, amino acid conservation, physicochemical variation, residue mobility, and thermodynamic stability) performed at Invitae indicates that this missense variant is not expected to disrupt SLC6A19 protein function. In summary, the available evidence is currently insufficient to determine the role of this variant in disease. Therefore, it has been classified as a Variant of Uncertain Significance.